The following is an entry in ClinVar:

ClinVar aggregate classification (germline): Uncertain significance. Review status: criteria provided, multiple submitters, no conflicts (2 of 4 stars). 2 submissions from 2 submitters: Uncertain significance (2). Last evaluated 2025-07-20.

Conditions:
SLC9A1-related disorder. Also called: SLC9A1-related condition.

gnomAD v4.1: 14 of 1,613,930 alleles (0.00087%); highest among the groups gnomAD compares: African/African-American, 0.0013%; no homozygotes.

Submissions (2):

PreventionGenetics, part of Exact Sciences
Classification: Uncertain significance for SLC9A1-related condition. Last evaluated: 2025-07-20. Review status: criteria provided, single submitter. Criteria: ACMG Guidelines, 2015. Collection method: clinical testing. Allele origin: germline.
Comment: The SLC9A1 c.2182G>A variant is predicted to result in the amino acid substitution p.Glu728Lys. To our knowledge, this variant has not been reported in the literature. This variant is reported in 0.0033% of alleles in individuals of South Asian descent in gnomAD. At this time, the clinical significance of this variant is uncertain due to the absence of conclusive functional and genetic evidence.

Ambry Genetics
Classification: Uncertain significance. Last evaluated: 2025-02-22. Review status: criteria provided, single submitter. Criteria: Ambry Variant Classification Scheme 2023. Collection method: clinical testing. Allele origin: germline.

NM_003047.5(SLC9A1):c.2182G>A (p.Glu728Lys)

Gene: SLC9A1 (solute carrier family 9 member A1; minus strand). Cytogenetic location: 1p36.11.
Variant type: single nucleotide variant.
Coding change: c.2182G>A on transcript NM_003047.5 (MANE Select); coding-DNA position 2182, G replaced by A.
Protein change: p.Glu728Lys; replaces glutamic acid 728 with lysine.
Molecular consequence: missense variant. On other transcripts: non-coding transcript variant (1).
Genome position (GRCh38, 1-based): chr1:27,100,573, C>T on the plus strand (G>A on the coding strand, the complement: SLC9A1 is on the minus strand). VCF-style: chr1-27100573-C-T. GRCh37 (hg19) VCF-style: chr1-27427064-C-T.
Other names: c.2182G>A (NM_003047.4); short protein forms E728K.
Identifiers: ClinVar variation 3798376 (VCV003798376.2).
Genomic context (GRCh38, chr1:27,100,573, plus strand): 5'-GATCCCGGCTCAACCCTAAGACTTTGCCCTTCAGCTCTTCATTCACCAGGTCCACAGACT[C>T]GGGTGACTGCGGGGAAGCCGGGTCGATGGTGATGACAGGCAGGTCCTCCTTCGGCTCATA-3'
Protein context (NP_003038.2, residues 718-738): TIDPASPQSP[Glu728Lys]SVDLVNEELK